The following is an entry in ClinVar:

NM_004320.6(ATP2A1):c.2000G>C (p.Arg667Pro)

Gene: ATP2A1 (ATPase sarcoplasmic/endoplasmic reticulum Ca2+ transporting 1; plus strand). Cytogenetic location: 16p11.2.
Variant type: single nucleotide variant.
Coding change: c.2000G>C on transcript NM_004320.6 (MANE Select); coding-DNA position 2000, G replaced by C.
Protein change: p.Arg667Pro; replaces arginine 667 with proline.
Molecular consequence: missense variant.
Genome position (GRCh38, 1-based): chr16:28,900,816, G>C. VCF-style: chr16-28900816-G-C. GRCh37 (hg19) VCF-style: chr16-28912137-G-C.
Other names: c.1625G>C, p.Arg542Pro (NM_001286075.2); c.2000G>C, p.Arg667Pro (NM_173201.5); short protein forms R542P, R667P.
Identifiers: ClinVar variation 1709047 (VCV001709047.2), dbSNP rs141250244, ClinGen allele CA395411386.
Genomic context (GRCh38, chr16:28,900,816, plus strand): 5'-AGGTGGCCGATCGCGCCTACACGGGCCGAGAGTTCGACGACCTGCCCCTGGCTGAACAGC[G>C]GGAAGCCTGCCGACGTGCCTGCTGCTTCGCCCGTGTGGAGCCCTCGCACAAGTCCAAGAT-3'
Protein context (NP_004311.1, residues 657-677): EFDDLPLAEQ[Arg667Pro]EACRRACCFA

ClinVar aggregate classification (germline): Uncertain significance (1 of 4 stars; one submission).

Conditions:
Brody myopathy. Also called: BRODY DISEASE. Identifiers: Orphanet 53347, MedGen C1832918, MONDO:0010977, OMIM 601003.

gnomAD v4.1: 3 of 1,614,216 alleles (0.00019%); highest among the groups gnomAD compares: Non-Finnish European, 0.00025%; no homozygotes.

Submission:

MGZ Medical Genetics Center
Classification: Uncertain significance for Brody myopathy. Last evaluated: 2021-12-22. Review status: criteria provided, single submitter. Criteria: ACMG Guidelines, 2015. Collection method: clinical testing. Allele origin: germline. Affected: yes. Observed: 1 variant allele.
Comment: ACMG criteria applied: PM2_SUP, PP3